The following is an entry in ClinVar:

NM_001083962.2(TCF4):c.441G>C (p.Gln147His)

Gene: TCF4 (transcription factor 4; minus strand). Cytogenetic location: 18q21.2.
Variant type: single nucleotide variant.
Coding change: c.441G>C on transcript NM_001083962.2 (MANE Select); coding-DNA position 441, G replaced by C.
Protein change: p.Gln147His; replaces glutamine 147 with histidine.
Molecular consequence: missense variant.
Genome position (GRCh38, 1-based): chr18:55,350,932, C>G on the plus strand (G>C on the coding strand, the complement: TCF4 is on the minus strand). VCF-style: chr18-55350932-C-G. GRCh37 (hg19) VCF-style: chr18-53018163-C-G.
Other names: c.747G>C, p.Gln249His (NM_001243226.3); c.369G>C, p.Gln123His (NM_001243227.2, NM_001306207.1, NM_001348217.1 and 9 more transcripts); c.441G>C, p.Gln147His (NM_001243228.2, NM_001330604.3, NM_001369567.1 and 5 more transcripts); c.435G>C, p.Gln145His (NM_001243230.2); c.315G>C, p.Gln105His (NM_001243231.2, NM_001348211.2); c.228G>C, p.Gln76His (NM_001243232.1, NM_001306208.1); c.51G>C, p.Gln17His (NM_001243233.2, NM_001330605.3, NM_001348212.2 and 1 more transcripts); c.366G>C, p.Gln122His (NM_001348220.1, NM_001369584.1, NM_001369585.1 and 3 more transcripts); and 2 more; short protein forms Q105H, Q122H, Q123H, Q145H, Q146H, Q147H, Q17H, Q249H.
Identifiers: ClinVar variation 1170291 (VCV001170291.10), dbSNP rs2082192813, ClinGen allele CA402702581.
Genomic context (GRCh38, chr18:55,350,932, plus strand): 5'-ACCCATGGCACTACTGTGAAGAGGCCTCCTTCGGGGATTATTGCTAGAATACTGATAGTA[C>G]TGGGAACCAGGTTTGGTGGGCGAAAGGGTTCCTGGGTTGCCCATATCCATGTCACCTCCA-3'
Protein context (NP_001077431.1, residues 137-157): GTLSPTKPGS[Gln147His]YYQYSSNNPR

ClinVar aggregate classification (germline): Conflicting classifications of pathogenicity. Review status: criteria provided, conflicting classifications (1 of 4 stars). 2 submissions from 2 submitters: Uncertain significance (1); Benign (1). Last evaluated 2024-10-16.

Conditions:
Pitt-Hopkins syndrome (PTHS). Also called: ENCEPHALOPATHY, SEVERE EPILEPTIC, WITH AUTONOMIC DYSFUNCTION; MENTAL RETARDATION, SYNDROMAL, WITH INTERMITTENT HYPERVENTILATION. Identifiers: Orphanet 2896, MedGen C1970431, MONDO:0012589, OMIM 610954.

Submissions (2):

GeneDx
Classification: Uncertain significance. Last evaluated: 2024-10-16. Review status: criteria provided, single submitter. Criteria: GeneDx Variant Classification Process June 2021. Collection method: clinical testing. Allele origin: germline. Affected: yes.
Comment: Not observed at significant frequency in large population cohorts (gnomAD); In silico analysis supports that this missense variant has a deleterious effect on protein structure/function; Has not been previously published as pathogenic or benign to our knowledge

Labcorp Genetics (formerly Invitae), Labcorp
Classification: Benign for Pitt-Hopkins syndrome. Last evaluated: 2020-03-11. Review status: criteria provided, single submitter. Criteria: Invitae Variant Classification Sherloc (09022015). Collection method: clinical testing. Allele origin: germline.